The following is an entry in ClinVar:

NM_177438.3(DICER1):c.4714A>G (p.Thr1572Ala)

Gene: DICER1 (dicer 1, ribonuclease III; minus strand). Cytogenetic location: 14q32.13.
Variant type: single nucleotide variant.
Coding change: c.4714A>G on transcript NM_177438.3 (MANE Select); coding-DNA position 4714, A replaced by G.
Protein change: p.Thr1572Ala; replaces threonine 1572 with alanine.
Molecular consequence: missense variant. On other transcripts: non-coding transcript variant (6).
Genome position (GRCh38, 1-based): chr14:95,096,206, T>C on the plus strand (A>G on the coding strand, the complement: DICER1 is on the minus strand). VCF-style: chr14-95096206-T-C. GRCh37 (hg19) VCF-style: chr14-95562543-T-C.
Other names: c.4714A>G, p.Thr1572Ala (NM_001195573.1, NM_001271282.3, NM_001291628.2 and 13 more transcripts); c.4309A>G, p.Thr1437Ala (NM_001395689.1, NM_001395690.1, NM_001395696.1 and 2 more transcripts); c.4147A>G, p.Thr1383Ala (NM_001395691.1); c.4432A>G, p.Thr1478Ala (NM_001395686.1); c.3031A>G, p.Thr1011Ala (NM_001395697.1); short protein forms T1383A, T1437A, T1011A, T1572A, T1478A.
Identifiers: ClinVar variation 2759758 (VCV002759758.3), dbSNP rs2542488770, ClinGen allele CA390867462.

ClinVar aggregate classification (germline): Uncertain significance (1 of 4 stars; one submission).

Conditions:
DICER1-related tumor predisposition. Also called: DICER1-related pleuropulmonary blastoma cancer predisposition syndrome; DICER1 syndrome. Identifiers: Orphanet 284343, MedGen C3839822, MONDO:0100216.

Allele frequency attached by ClinVar (database versions not stated): gnomAD exomes below 0.00001.
gnomAD v4.1: 1 of 1,614,206 alleles (0.000062%); highest among the groups gnomAD compares: Non-Finnish European, 0.000085%; no homozygotes.

Submission:

Labcorp Genetics (formerly Invitae), Labcorp
Classification: Uncertain significance for DICER1-related tumor predisposition. Last evaluated: 2023-09-10. Review status: criteria provided, single submitter. Criteria: Invitae Variant Classification Sherloc (09022015). Collection method: clinical testing. Allele origin: germline.
Comment: In summary, the available evidence is currently insufficient to determine the role of this variant in disease. Therefore, it has been classified as a Variant of Uncertain Significance. Advanced modeling of protein sequence and biophysical properties (such as structural, functional, and spatial information, amino acid conservation, physicochemical variation, residue mobility, and thermodynamic stability) performed at Invitae indicates that this missense variant is expected to disrupt DICER1 protein function. This variant has not been reported in the literature in individuals affected with DICER1-related conditions. This variant is not present in population databases (gnomAD no frequency). This sequence change replaces threonine, which is neutral and polar, with alanine, which is neutral and non-polar, at codon 1572 of the DICER1 protein (p.Thr1572Ala).